The following is an entry in ClinVar:

NM_183381.3(RNF13):c.305G>A (p.Cys102Tyr)

Gene: RNF13 (ring finger protein 13; plus strand). Cytogenetic location: 3q25.1.
Variant type: single nucleotide variant.
Coding change: c.305G>A on transcript NM_183381.3 (MANE Select); coding-DNA position 305, G replaced by A.
Protein change: p.Cys102Tyr; replaces cysteine 102 with tyrosine.
Molecular consequence: missense variant. On other transcripts: 5 prime UTR variant (6), non-coding transcript variant (1).
Genome position (GRCh38, 1-based): chr3:149,872,138, G>A. VCF-style: chr3-149872138-G-A. GRCh37 (hg19) VCF-style: chr3-149589925-G-A.
Other names: c.305G>A, p.Cys102Tyr (NM_001378285.1, NM_001378286.1, NM_007282.4); c.-63G>A (NM_001378287.1, NM_001378288.1, NM_001378289.1 and 2 more transcripts); c.-89G>A (NM_001378291.1); short protein forms C102Y.
Identifiers: ClinVar variation 5018818 (VCV005018818.1).
Genomic context (GRCh38, chr3:149,872,138, plus strand): 5'-CTCCACCAGTAAAAGACAATTCATCTGGCACTTTCATCGTGTTAATTAGAAGACTTGATT[G>A]TAATTTTGATATAAAGGTATGATTATCTTTTTTCATTTTTTGTTTCCTATTTGTTCAGTT-3'
Protein context (NP_899237.1, residues 92-112): TFIVLIRRLD[Cys102Tyr]NFDIKVLNAQ

ClinVar aggregate classification (germline): Uncertain significance (1 of 4 stars; one submission).

Conditions:
Developmental and epileptic encephalopathy, 73. Also called: EPILEPTIC ENCEPHALOPATHY, EARLY INFANTILE, 73; Rnf13-related severe early-onset epileptic encephalopathy. Identifiers: Orphanet 544503, MedGen C5193065, MONDO:0034106, OMIM 618379.

Submission:

Juno Genomics, Hangzhou Juno Genomics, Inc
Classification: Uncertain significance for Developmental and epileptic encephalopathy, 73. Review status: criteria provided, single submitter. Criteria: ACMG Guidelines, 2015. Collection method: clinical testing. Allele origin: germline. Affected: yes.
Comment: Absent from controls (or at extremely low frequency if recessive) in Genome Aggregation Database.;De novo (both maternity and paternity confirmed) in a patient with the disease and no family history.;Patient's phenotype or family history is highly specific for a disease with a single genetic etiology.